The following is an entry in ClinVar:

NM_001129820.2(SLFN14):c.1759C>T (p.Arg587Cys)

Gene: SLFN14 (schlafen family member 14; minus strand). Cytogenetic location: 17q12.
Variant type: single nucleotide variant.
Coding change: c.1759C>T on transcript NM_001129820.2 (MANE Select); coding-DNA position 1759, C replaced by T.
Protein change: p.Arg587Cys; replaces arginine 587 with cysteine.
Molecular consequence: missense variant.
Genome position (GRCh38, 1-based): chr17:35,552,875, G>A on the plus strand (C>T on the coding strand, the complement: SLFN14 is on the minus strand). VCF-style: chr17-35552875-G-A. GRCh37 (hg19) VCF-style: chr17-33879894-G-A.
Other names: p.Arg587Cys; short protein forms R587C.
Identifiers: ClinVar variation 1704375 (VCV001704375.2), dbSNP rs1036320102, ClinGen allele CA290054756.
Genomic context (GRCh38, chr17:35,552,875, plus strand): 5'-TGATCTTTATGGCTAGGGCTGTCTTCCTGACTCCTGGAAAGCAGTAGATGAATAATTCAC[G>A]TGTCTTCTGAAGACTCTCAGAAAGCAACTGGCTCTGCTCCATTATGAGCAAGTTGAAAAA-3'
Protein context (NP_001123292.1, residues 577-597): QLLSESLQKT[Arg587Cys]ELFIYCFPGV

ClinVar aggregate classification (germline): Uncertain significance. Review status: criteria provided, multiple submitters, no conflicts (2 of 4 stars). 2 submissions from 2 submitters: Uncertain significance (2). Last evaluated 2024-05-16.

Conditions:
Platelet-type bleeding disorder 20 (BDPLT20). Identifiers: Orphanet 466806, MedGen C4310797, MONDO:0014830, OMIM 616913.

Allele frequency attached by ClinVar (database versions not stated): gnomAD 0.00003; TOPMed 0.00005; gnomAD exomes 0.00007.
gnomAD v4.1: 103 of 1,551,290 alleles (0.0066%); highest among the groups gnomAD compares: Admixed American, 0.024%; 1 homozygote.

Submissions (2):

Mayo Clinic Laboratories, Mayo Clinic
Classification: Uncertain significance. Last evaluated: 2024-05-16. Review status: criteria provided, single submitter. Criteria: ACMG Guidelines, 2015. Collection method: clinical testing. Allele origin: germline. Observed: 1 variant allele.

Johns Hopkins Genomics, Johns Hopkins University
Classification: Uncertain significance for Platelet-type bleeding disorder 20. Last evaluated: 2022-04-29. Review status: criteria provided, single submitter. Criteria: ACMG Guidelines, 2015. Collection method: clinical testing. Allele origin: germline.
Comment: SLFN14 c.1759C>T (rs1036320102) is rare (<0.1%) in a large population dataset (gnomAD: 15/154014 total alleles; 0.009739%; one homozygote) and has not been reported in ClinVar nor the literature, to our knowledge. Two bioinformatic tools queried predict that this substitution would be damaging and the arginine residue at this position is evolutionarily conserved across all mammalian species assessed. We consider the clinical significance of SLFN14c.1759C>T to be uncertain at this time.

Literature cited by the submitters: PubMed 29678925 (cited by Johns Hopkins Genomics, Johns Hopkins University).